The following is an entry in ClinVar:

NM_000368.5(TSC1):c.2614G>T (p.Asp872Tyr)

Gene: TSC1 (TSC complex subunit 1; minus strand). Cytogenetic location: 9q34.13.
Variant type: single nucleotide variant.
Coding change: c.2614G>T on transcript NM_000368.5 (MANE Select); coding-DNA position 2614, G replaced by T.
Protein change: p.Asp872Tyr; replaces aspartic acid 872 with tyrosine.
Molecular consequence: missense variant. On other transcripts: non-coding transcript variant (5).
Genome position (GRCh38, 1-based): chr9:132,900,726, C>A on the plus strand (G>T on the coding strand, the complement: TSC1 is on the minus strand). VCF-style: chr9-132900726-C-A. GRCh37 (hg19) VCF-style: chr9-135776113-C-A.
Other names: c.2614G>T, p.Asp872Tyr (NM_001406593.1, NM_001406594.1, NM_001406595.1 and 2 more transcripts); c.2611G>T, p.Asp871Tyr (NM_001406597.1, NM_001406598.1, NM_001406599.1 and 2 more transcripts); c.2599G>T, p.Asp867Tyr (NM_001406601.1, NM_001406602.1); c.2458G>T, p.Asp820Tyr (NM_001406612.1, NM_001406611.1); c.2416G>T, p.Asp806Tyr (NM_001406613.1); c.2251G>T, p.Asp751Tyr (NM_001406614.1, NM_001406615.1, NM_001406616.1 and 4 more transcripts); c.2248G>T, p.Asp750Tyr (NM_001406620.1, NM_001406621.1, NM_001406622.1 and 1 more transcripts); c.2461G>T, p.Asp821Tyr (NM_001162427.2, NM_001406610.1); and 8 more; short protein forms D555Y, D751Y, D820Y, D867Y, D806Y, D821Y, D857Y, D858Y.
Identifiers: ClinVar variation 2562851 (VCV002562851.4), dbSNP rs746607455, ClinGen allele CA375369863.

ClinVar aggregate classification (germline): Uncertain significance. Review status: criteria provided, multiple submitters, no conflicts (2 of 4 stars). 2 submissions from 2 submitters: Uncertain significance (2). Last evaluated 2024-04-18.

Conditions:
Hereditary cancer-predisposing syndrome. Also called: Neoplastic Syndromes, Hereditary; Hereditary Cancer Syndrome; Tumor predisposition; Hereditary neoplastic syndrome. Identifiers: Orphanet 140162, MedGen C0027672, MeSH D009386, MONDO:0015356.
Tuberous sclerosis 1 (TSC1). Identifiers: Orphanet 805, MedGen C1854465, MONDO:0008612, OMIM 191100.

Submissions (2):

Labcorp Genetics (formerly Invitae), Labcorp
Classification: Uncertain significance for Tuberous sclerosis 1. Last evaluated: 2024-04-18. Review status: criteria provided, single submitter. Criteria: Invitae Variant Classification Sherloc (09022015). Collection method: clinical testing. Allele origin: germline.
Comment: This sequence change replaces aspartic acid, which is acidic and polar, with tyrosine, which is neutral and polar, at codon 872 of the TSC1 protein (p.Asp872Tyr). This variant is not present in population databases (gnomAD no frequency). This variant has not been reported in the literature in individuals affected with TSC1-related conditions. ClinVar contains an entry for this variant (Variation ID: 2562851). Advanced modeling of protein sequence and biophysical properties (such as structural, functional, and spatial information, amino acid conservation, physicochemical variation, residue mobility, and thermodynamic stability) performed at Invitae indicates that this missense variant is not expected to disrupt TSC1 protein function with a negative predictive value of 95%. In summary, the available evidence is currently insufficient to determine the role of this variant in disease. Therefore, it has been classified as a Variant of Uncertain Significance.

Ambry Genetics
Classification: Uncertain significance for Hereditary cancer-predisposing syndrome. Last evaluated: 2023-04-09. Review status: criteria provided, single submitter. Criteria: Ambry Variant Classification Scheme 2023. Collection method: clinical testing. Allele origin: germline.
Comment: The p.D872Y variant (also known as c.2614G>T), located in coding exon 18 of the TSC1 gene, results from a G to T substitution at nucleotide position 2614. The aspartic acid at codon 872 is replaced by tyrosine, an amino acid with highly dissimilar properties. This amino acid position is conserved. In addition, this alteration is predicted to be deleterious by in silico analysis. Since supporting evidence is limited at this time, the clinical significance of this alteration remains unclear.